The following is an entry in ClinVar:

NM_006231.4(POLE):c.4250A>T (p.Glu1417Val)

Gene: POLE (DNA polymerase epsilon, catalytic subunit; minus strand). Cytogenetic location: 12q24.33.
Variant type: single nucleotide variant.
Coding change: c.4250A>T on transcript NM_006231.4 (MANE Select); coding-DNA position 4250, A replaced by T.
Protein change: p.Glu1417Val; replaces glutamic acid 1417 with valine.
Molecular consequence: missense variant.
Genome position (GRCh38, 1-based): chr12:132,643,877, T>A on the plus strand (A>T on the coding strand, the complement: POLE is on the minus strand). VCF-style: chr12-132643877-T-A. GRCh37 (hg19) VCF-style: chr12-133220463-T-A.
Other names: c.4250A>T (NM_006231.2); short protein forms E1417V.
Identifiers: ClinVar variation 940861 (VCV000940861.11), dbSNP rs2042213742, ClinGen allele CA387381943.
Genomic context (GRCh38, chr12:132,643,877, plus strand): 5'-GAGGGTGGCTGGGGAGTCACCTGAGTCTCATATACGCCCTCGATGTCTGGCGCTGACAGC[T>A]CAGCGTTGATCTCGTTGATGTGTTCCTGGTACATGTCCTCTGGCACTGAATACTCATAGA-3'
Protein context (NP_006222.2, residues 1407-1427): YQEHINEINA[Glu1417Val]LSAPDIEGVY

ClinVar aggregate classification (germline): Uncertain significance. Review status: criteria provided, multiple submitters, no conflicts (2 of 4 stars). 2 submissions from 2 submitters: Uncertain significance (2). Last evaluated 2023-05-21.

Conditions:
Hereditary cancer-predisposing syndrome. Also called: Hereditary neoplastic syndrome; Neoplastic Syndromes, Hereditary; Tumor predisposition; Hereditary Cancer Syndrome. Identifiers: Orphanet 140162, MedGen C0027672, MeSH D009386, MONDO:0015356.

Submissions (2):

Ambry Genetics
Classification: Uncertain significance for Hereditary cancer-predisposing syndrome. Last evaluated: 2023-05-21. Review status: criteria provided, single submitter. Criteria: Ambry Variant Classification Scheme 2023. Collection method: clinical testing. Allele origin: germline.
Comment: The p.E1417V variant (also known as c.4250A>T), located in coding exon 33 of the POLE gene, results from an A to T substitution at nucleotide position 4250. The glutamic acid at codon 1417 is replaced by valine, an amino acid with dissimilar properties. This amino acid position is conserved. In addition, this alteration is predicted to be tolerated by in silico analysis. Since supporting evidence is limited at this time, the clinical significance of this alteration remains unclear.

Labcorp Genetics (formerly Invitae), Labcorp
Classification: Uncertain significance. Last evaluated: 2019-06-28. Review status: criteria provided, single submitter. Criteria: Invitae Variant Classification Sherloc (09022015). Collection method: clinical testing. Allele origin: germline.
Comment: In summary, the available evidence is currently insufficient to determine the role of this variant in disease. Therefore, it has been classified as a Variant of Uncertain Significance. Algorithms developed to predict the effect of missense changes on protein structure and function (SIFT, PolyPhen-2, Align-GVGD) all suggest that this variant is likely to be tolerated, but these predictions have not been confirmed by published functional studies and their clinical significance is uncertain. This variant has not been reported in the literature in individuals with POLE-related conditions. This variant is not present in population databases (ExAC no frequency). This sequence change replaces glutamic acid with valine at codon 1417 of the POLE protein (p.Glu1417Val). The glutamic acid residue is weakly conserved and there is a moderate physicochemical difference between glutamic acid and valine.